The following is an entry in ClinVar:

NM_001845.6(COL4A1):c.2399G>A (p.Gly800Glu)

Gene: COL4A1 (collagen type IV alpha 1 chain; minus strand). Cytogenetic location: 13q34.
Variant type: single nucleotide variant.
Coding change: c.2399G>A on transcript NM_001845.6 (MANE Select); coding-DNA position 2399, G replaced by A.
Protein change: p.Gly800Glu; replaces glycine 800 with glutamic acid.
Molecular consequence: missense variant.
Genome position (GRCh38, 1-based): chr13:110,178,982, C>T on the plus strand (G>A on the coding strand, the complement: COL4A1 is on the minus strand). VCF-style: chr13-110178982-C-T. GRCh37 (hg19) VCF-style: chr13-110831329-C-T.
Other names: short protein forms G800E.
Identifiers: ClinVar variation 2505855 (VCV002505855.1), dbSNP rs772681589, ClinGen allele CA388668404.

ClinVar aggregate classification (germline): Uncertain significance (1 of 4 stars; one submission).

gnomAD v4.1: 1 of 1,612,076 alleles (0.000062%); no homozygotes.

Submission:

GeneDx
Classification: Uncertain significance. Last evaluated: 2023-06-08. Review status: criteria provided, single submitter. Criteria: GeneDx Variant Classification Process June 2021. Collection method: clinical testing. Allele origin: germline. Affected: yes.
Comment: Not observed at significant frequency in large population cohorts (gnomAD); In silico analysis supports that this missense variant has a deleterious effect on protein structure/function; Affects a glycine residue in a Gly-X-Y motif in the triple helical region of the COL4A1 gene; This variant is associated with the following publications: (PMID: 26708157)